The following is an entry in ClinVar:

NM_000021.4(PSEN1):c.347C>T (p.Thr116Ile)

Gene: PSEN1 (presenilin 1; plus strand). Cytogenetic location: 14q24.2.
Variant type: single nucleotide variant.
Coding change: c.347C>T on transcript NM_000021.4 (MANE Select); coding-DNA position 347, C replaced by T.
Protein change: p.Thr116Ile; replaces threonine 116 with isoleucine.
Molecular consequence: missense variant.
Genome position (GRCh38, 1-based): chr14:73,173,574, C>T. VCF-style: chr14-73173574-C-T. GRCh37 (hg19) VCF-style: chr14-73640282-C-T.
Other names: c.335C>T, p.Thr112Ile (NM_007318.3); short protein forms T116I, T112I.
Identifiers: ClinVar variation 98016 (VCV000098016.6), dbSNP rs63750730, ClinGen allele CA225003.

ClinVar aggregate classification (germline): Pathogenic. Review status: criteria provided, single submitter (1 of 4 stars). 2 submissions from 2 submitters: Pathogenic (1). 1 of the submissions does not count toward it. Last evaluated 2025-09-19.

Conditions:
Alzheimer disease 3 (AD3). Also called: ALZHEIMER DISEASE, FAMILIAL, 3. Identifiers: Orphanet 1020, MedGen C1843013, MONDO:0011913, OMIM 607822.
Acne inversa, familial, 3 (ACNINV3). Identifiers: MedGen C3151038, MONDO:0013398, OMIM 613737.
Frontotemporal dementia (FTD1). Also called: Frontotemporal Dementia with Parkinsonism-17 (FTDP-17); FRONTOTEMPORAL DEMENTIA WITH PARKINSONISM; FRONTOTEMPORAL LOBE DEMENTIA; MULTIPLE SYSTEM TAUOPATHY WITH PRESENILE DEMENTIA; Dementia, frontotemporal, with or without parkinsonism; WILHELMSEN-LYNCH DISEASE. Identifiers: Orphanet 282, MedGen C0338451, MONDO:0017276, OMIM 600274, HP:0002145.
Pick disease. Also called: PICK DISEASE OF BRAIN; DEMENTIA WITH LOBAR ATROPHY AND NEURONAL CYTOPLASMIC INCLUSIONS; LOBAR ATROPHY OF BRAIN; Pick's disease; Pick Disease of the Brain. Identifiers: Orphanet 282, MedGen C0236642, MONDO:0008243, OMIM 172700.

Submissions (2):

Labcorp Genetics (formerly Invitae), Labcorp
Classification: Pathogenic for Alzheimer disease 3; Pick disease; Acne inversa, familial, 3; Frontotemporal dementia. Last evaluated: 2025-09-19. Review status: criteria provided, single submitter. Criteria: Invitae Variant Classification Sherloc (09022015). Collection method: clinical testing. Allele origin: germline.
Comment: This sequence change replaces threonine, which is neutral and polar, with isoleucine, which is neutral and non-polar, at codon 116 of the PSEN1 protein (p.Thr116Ile). This variant is not present in population databases (gnomAD no frequency). This missense change has been observed in individuals with early-onset Alzheimer disease (PMID: 15272895, 16033913, 28008242, 30200536). ClinVar contains an entry for this variant (Variation ID: 98016). Invitae Evidence Modeling of protein sequence and biophysical properties (such as structural, functional, and spatial information, amino acid conservation, physicochemical variation, residue mobility, and thermodynamic stability) indicates that this missense variant is expected to disrupt PSEN1 protein function with a positive predictive value of 95%. This variant disrupts the p.Thr116 amino acid residue in PSEN1. Other variant(s) that disrupt this residue have been determined to be pathogenic (PMID: 10439444, 18667258, 27930341, 29404783). This suggests that this residue is clinically significant, and that variants that disrupt this residue are likely to be disease-causing. For these reasons, this variant has been classified as Pathogenic.

VIB  Department of Molecular Genetics, University of Antwerp
No classification provided. Review status: no classification provided. Collection method: not provided. Allele origin: not provided. Not counted in ClinVar's aggregate classification.

Literature cited by the submitters: PubMed 15272895 (cited by Labcorp Genetics (formerly Invitae), Labcorp); PubMed 16033913 (cited by Labcorp Genetics (formerly Invitae), Labcorp); PubMed 28008242 (cited by Labcorp Genetics (formerly Invitae), Labcorp); PubMed 30200536 (cited by Labcorp Genetics (formerly Invitae), Labcorp); PubMed 10439444 (cited by Labcorp Genetics (formerly Invitae), Labcorp); PubMed 18667258 (cited by Labcorp Genetics (formerly Invitae), Labcorp); PubMed 27930341 (cited by Labcorp Genetics (formerly Invitae), Labcorp); PubMed 29404783 (cited by Labcorp Genetics (formerly Invitae), Labcorp).